The following is an entry in ClinVar:

ClinVar aggregate classification (germline): Pathogenic. Review status: criteria provided, multiple submitters, no conflicts (2 of 4 stars). 7 submissions from 7 submitters: Pathogenic (7). Last evaluated 2024-10-04.

Conditions:
Sotos syndrome (SOTOS). Also called: CEREBRAL GIGANTISM; Sotos' syndrome; Distinctive facial appearance, overgrowth in childhood, and learning disabilities or delayed development; SOTOS SYNDROME 1; CHROMOSOME 5q35 DELETION SYNDROME. Identifiers: Orphanet 821, MedGen C0175695, MONDO:0019349, OMIM 117550.

Submissions (7):

Dubai Health Genomic Medicine Center, Dubai Health
Classification: Pathogenic for Sotos syndrome. Last evaluated: 2024-10-04. Review status: criteria provided, single submitter. Criteria: ACMG Guidelines, 2015. Collection method: research. Allele origin: germline. Affected: yes.
Comment: PVS1,PM2,PS2

CeGaT Center for Human Genetics Tuebingen
Classification: Pathogenic. Last evaluated: 2024-05-01. Review status: criteria provided, single submitter. Criteria: CeGaT Center For Human Genetics Tuebingen Variant Classification Criteria Version 2. Collection method: clinical testing. Allele origin: germline. Affected: yes. Observed: 1 variant allele.
Comment: NSD1: PVS1, PS2, PM2, PS4:Moderate

GeneDx
Classification: Pathogenic. Last evaluated: 2022-04-08. Review status: criteria provided, single submitter. Criteria: GeneDx Variant Classification Process June 2021. Collection method: clinical testing. Allele origin: germline. Affected: yes.
Comment: Nonsense variant predicted to result in nonsense mediated decay in a gene for which loss-of-function is a known mechanism of disease; Not observed at significant frequency in large population cohorts (gnomAD); This variant is associated with the following publications: (PMID: 30952489, 28475857, 12464997, 22924495, 34374989)

Dasa
Classification: Pathogenic. Last evaluated: 2022-02-14. Review status: criteria provided, single submitter. Criteria: ACMG Guidelines, 2015. Collection method: clinical testing. Allele origin: germline. Affected: yes. Observed: 1 variant allele.
Comment: The c.3549dup;p.(Glu1184*) is a null frameshift variant in the NSD1 gene and predicts alteration of the nonsense-mediate decay - NMD is present in a relevant exon to the transcript -PVS1. This sequence change has been observed in affected individual(s) and ClinVar contains an entry for this variant (Clinvar ID: 211726; PMID: 12464997; 15942875; 16247291; 22924495; 28475857) - PS4. This variant is not present in population databases (rs797045813, gnomAD; ABraOM no frequency) - PM2. In summary, the currently available evidence indicates that the variant is pathogenic.

Genome-Nilou Lab
Classification: Pathogenic for Sotos syndrome. Last evaluated: 2021-07-15. Review status: criteria provided, single submitter. Criteria: ACMG Guidelines, 2015. Collection method: clinical testing. Allele origin: germline. Affected: no.

Labcorp Genetics (formerly Invitae), Labcorp
Classification: Pathogenic. Last evaluated: 2020-10-07. Review status: criteria provided, single submitter. Criteria: Invitae Variant Classification Sherloc (09022015). Collection method: clinical testing. Allele origin: germline.
Comment: For these reasons, this variant has been classified as Pathogenic. Loss-of-function variants in NSD1 are known to be pathogenic (PMID: 12464997, 14571271, 15942875, 16247291). This variant has been observed in individual(s) with clinical features of Sotos syndrome (PMID: 22924495, 15942875, 28475857). In at least one individual the variant was observed to be de novo. ClinVar contains an entry for this variant (Variation ID: 211726). This variant is not present in population databases (ExAC no frequency). This sequence change creates a premature translational stop signal (p.Glu1184*) in the NSD1 gene. It is expected to result in an absent or disrupted protein product.

Genetic Services Laboratory, University of Chicago
Classification: Pathogenic for Sotos syndrome 1. Last evaluated: 2013-02-08. Review status: criteria provided, single submitter. Criteria: ACMG Guidelines, 2007. Collection method: clinical testing. Allele origin: germline. Affected: yes.

Literature cited by the submitters: PubMed 12464997 (cited by Dasa and Labcorp Genetics (formerly Invitae), Labcorp); PubMed 15942875 (cited by Dasa and Labcorp Genetics (formerly Invitae), Labcorp); PubMed 16247291 (cited by Dasa and Labcorp Genetics (formerly Invitae), Labcorp); PubMed 22924495 (cited by Dasa and Labcorp Genetics (formerly Invitae), Labcorp); PubMed 28475857 (cited by Dasa and Labcorp Genetics (formerly Invitae), Labcorp); PubMed 14571271 (cited by Labcorp Genetics (formerly Invitae), Labcorp).

NM_022455.5(NSD1):c.3549dup (p.Glu1184Ter)

Gene: NSD1 (nuclear receptor binding SET domain protein 1; plus strand). Cytogenetic location: 5q35.3.
Variant type: Duplication.
Coding change: c.3549dup on transcript NM_022455.5 (MANE Select); coding-DNA position 3549, one base duplicated (T; older notation c.3549dupT).
Protein change: p.Glu1184Ter; replaces glutamic acid 1184 with a stop codon.
Molecular consequence: nonsense. On other transcripts: frameshift variant (12).
Genome position (GRCh38, 1-based): chr5:177,211,948, T duplicated. VCF-style (leftmost placement, unchanged base first): chr5-177211947-C-CT. GRCh37 (hg19) VCF-style: chr5-176638948-C-CT.
Other names: c.2676dup, p.Glu893Terfs (NM_001365684.2, NM_001409306.1, NM_001409307.1 and 3 more transcripts); c.3549dup, p.Glu1184Terfs (NM_001409301.1, NM_001409302.1, NM_001409303.1); c.3129dup, p.Glu1044Terfs (NM_001409304.1); c.2796dup, p.Glu933Terfs (NM_001409305.1); c.3549dupT (NM_022455.4); short protein forms E1184*, E915*.
Identifiers: ClinVar variation 211726 (VCV000211726.43), dbSNP rs797045813, ClinGen allele CA319693.